The following is an entry in ClinVar:

NM_000264.5(PTCH1):c.2045G>T (p.Arg682Leu)

Genes: PTCH1 (patched 1; minus strand), LOC100507346 (uncharacterized LOC100507346; plus strand). Cytogenetic location: 9q22.32.
Variant type: single nucleotide variant.
Coding change: c.2045G>T on transcript NM_000264.5 (MANE Select); coding-DNA position 2045, G replaced by T.
Protein change: p.Arg682Leu; replaces arginine 682 with leucine.
Molecular consequence: missense variant. On other transcripts: non-coding transcript variant (2).
Genome position (GRCh38, 1-based): chr9:95,468,956, C>A on the plus strand (G>T on the coding strand, the complement: PTCH1 is on the minus strand). VCF-style: chr9-95468956-C-A. GRCh37 (hg19) VCF-style: chr9-98231238-C-A.
Other names: c.1847G>T, p.Arg616Leu (NM_001083602.3); c.2042G>T, p.Arg681Leu (NM_001083603.3); c.1592G>T, p.Arg531Leu (NM_001083604.3, NM_001083605.3, NM_001083606.3 and 1 more transcripts); c.1889G>T, p.Arg630Leu (NM_001354918.2); short protein forms R682L, R630L, R616L, R531L, R681L.
Identifiers: ClinVar variation 4146829 (VCV004146829.1).

ClinVar aggregate classification (germline): Uncertain significance (1 of 4 stars; one submission).

Conditions:
Hereditary cancer-predisposing syndrome. Also called: Hereditary neoplastic syndrome; Neoplastic Syndromes, Hereditary; Tumor predisposition; Hereditary Cancer Syndrome. Identifiers: Orphanet 140162, MedGen C0027672, MeSH D009386, MONDO:0015356.

Submission:

Ambry Genetics
Classification: Uncertain significance for Hereditary cancer-predisposing syndrome. Last evaluated: 2025-07-03. Review status: criteria provided, single submitter. Criteria: Ambry Variant Classification Scheme 2023. Collection method: clinical testing. Allele origin: germline.
Comment: The p.R682L variant (also known as c.2045G>T), located in coding exon 14 of the PTCH1 gene, results from a G to T substitution at nucleotide position 2045. The arginine at codon 682 is replaced by leucine, an amino acid with dissimilar properties. This amino acid position is well conserved in available vertebrate species. In addition, the in silico prediction for this alteration is inconclusive. Based on the available evidence, the clinical significance of this variant remains unclear.